The following is an entry in ClinVar:

ClinVar aggregate classification (germline): Likely benign. Review status: criteria provided, multiple submitters, no conflicts (2 of 4 stars). 2 submissions from 2 submitters: Likely benign (2). Last evaluated 2026-05-01.

gnomAD v4.1: 17 of 1,198,223 alleles (0.0014%); highest among the groups gnomAD compares: Middle Eastern, 0.023%; no homozygotes.

Submissions (2):

CeGaT Center for Human Genetics Tuebingen
Classification: Likely benign. Last evaluated: 2026-05-01. Review status: criteria provided, single submitter. Criteria: CeGaT Center For Human Genetics Tuebingen Variant Classification Criteria Version 2. Collection method: clinical testing. Allele origin: germline. Affected: yes. Observed: 1 variant allele.
Comment: DLG3: BP4, BP7, BS2

Blueprint Genetics
Classification: Likely benign. Last evaluated: 2023-10-06. Review status: criteria provided, single submitter. Criteria: ACMG Guidelines, 2015. Collection method: clinical testing. Allele origin: germline.

NM_021120.4(DLG3):c.1284G>A (p.Arg428=)

Genes: DLG3 (discs large MAGUK scaffold protein 3; plus strand), DLG3-AS1 (DLG3 antisense RNA 1; minus strand). Cytogenetic location: Xq13.1.
Variant type: single nucleotide variant.
Coding change: c.1284G>A on transcript NM_021120.4 (MANE Select); coding-DNA position 1284, G replaced by A.
Protein change: p.Arg428=; no amino-acid change (arginine 428 retained).
Molecular consequence: synonymous variant.
Genome position (GRCh38, 1-based): chrX:70,453,775, G>A. VCF-style: chrX-70453775-G-A. GRCh37 (hg19) VCF-style: chrX-69673625-G-A.
Other names: c.273G>A, p.Arg91= (NM_020730.3).
Identifiers: ClinVar variation 4873197 (VCV004873197.3).